The following is an entry in ClinVar:

ClinVar aggregate classification (germline): Benign. Review status: criteria provided, multiple submitters, no conflicts (2 of 4 stars). 3 submissions from 3 submitters: Benign (3). Last evaluated 2021-07-01.

Conditions:
Propionic acidemia (PROP). Also called: GLYCINEMIA, KETOTIC; HYPERGLYCINEMIA WITH KETOACIDOSIS AND LEUKOPENIA; KETOTIC HYPERGLYCINEMIA. Identifiers: Orphanet 35, MedGen C0268579, MONDO:0011628, OMIM 606054, HP:0003571.

Allele frequency attached by ClinVar (database versions not stated): gnomAD 0.11836 and 0.12185; TOPMed 0.12075; 1000 Genomes Project 0.12919; 1000 Genomes Project 30x 0.13429.
gnomAD v4.1: 48,158 of 645,366 alleles (7.5%); highest among the groups gnomAD compares: African/African-American, 28%; 3,358 homozygotes.

Submissions (3):

Pars Genome Lab
Classification: Benign for Propionic acidemia. Last evaluated: 2021-07-01. Review status: criteria provided, single submitter. Criteria: ACMG Guidelines, 2015. Collection method: clinical testing. Allele origin: germline. Affected: no.

GeneDx
Classification: Benign. Last evaluated: 2018-06-14. Review status: criteria provided, single submitter. Criteria: GeneDx Variant Classification (06012015). Collection method: clinical testing. Allele origin: germline. Affected: yes.
Comment: This variant is considered likely benign or benign based on one or more of the following criteria: it is a conservative change, it occurs at a poorly conserved position in the protein, it is predicted to be benign by multiple in silico algorithms, and/or has population frequency not consistent with disease.

Breakthrough Genomics
Classification: Benign. Review status: criteria provided, single submitter. Criteria: ACMG Guidelines, 2015. Collection method: not provided. Allele origin: germline. Inheritance: Autosomal recessive inheritance. Affected: yes.

NM_000282.4(PCCA):c.1846-104C>G

Gene: PCCA (propionyl-CoA carboxylase subunit alpha; plus strand). Cytogenetic location: 13q32.3.
Variant type: single nucleotide variant.
Coding change: c.1846-104C>G on transcript NM_000282.4 (MANE Select); 104 bases into the intron before coding-DNA position 1846, C replaced by G.
Molecular consequence: intron variant.
Genome position (GRCh38, 1-based): chr13:100,449,148, C>G. VCF-style: chr13-100449148-C-G. GRCh37 (hg19) VCF-style: chr13-101101402-C-G.
Other names: c.1846-104C>G (NM_001178004.2, NM_001352609.2); c.1845+23417C>G (NM_001352605.2); c.1702-104C>G (NM_001352606.2); c.901-104C>G (NM_001352610.2); c.900+23417C>G (NM_001352611.2); c.757-104C>G (NM_001352612.2); c.1768-104C>G (NM_001127692.3, NM_001352607.2); c.1624-104C>G (NM_001352608.2).
Identifiers: ClinVar variation 676246 (VCV000676246.4), dbSNP rs1283292, ClinGen allele CA13900140.